The following is an entry in ClinVar:

ClinVar aggregate classification (germline): Uncertain significance. Review status: criteria provided, multiple submitters, no conflicts (2 of 4 stars). 4 submissions from 4 submitters: Uncertain significance (4). Last evaluated 2025-09-04.

Conditions:
MCM2-related disorder. Also called: MCM2-related condition.

Allele frequency attached by ClinVar (database versions not stated): ExAC 0.00008; gnomAD 0.00009 and 0.00010; gnomAD exomes 0.00009 and 0.00018; TOPMed 0.00013.
gnomAD v4.1: 270 of 1,614,092 alleles (0.017%); highest among the groups gnomAD compares: Non-Finnish European, 0.022%; no homozygotes.

Submissions (4):

PreventionGenetics, part of Exact Sciences
Classification: Uncertain significance for MCM2-related condition. Last evaluated: 2025-09-04. Review status: criteria provided, single submitter. Criteria: ACMG Guidelines, 2015. Collection method: clinical testing. Allele origin: germline.
Comment: The MCM2 c.116C>T variant is predicted to result in the amino acid substitution p.Thr39Ile. To our knowledge, this variant has not been reported in the literature. This variant is reported in 0.019% of alleles in individuals of European (Non-Finnish) descent in gnomAD. At this time, the clinical significance of this variant is uncertain due to the absence of conclusive functional and genetic evidence.

Ambry Genetics
Classification: Uncertain significance. Last evaluated: 2025-08-01. Review status: criteria provided, single submitter. Criteria: Ambry Variant Classification Scheme 2023. Collection method: clinical testing. Allele origin: germline.

Labcorp Genetics (formerly Invitae), Labcorp
Classification: Uncertain significance. Last evaluated: 2025-04-22. Review status: criteria provided, single submitter. Criteria: Invitae Variant Classification Sherloc (09022015). Collection method: clinical testing. Allele origin: germline.
Comment: This sequence change replaces threonine, which is neutral and polar, with isoleucine, which is neutral and non-polar, at codon 39 of the MCM2 protein (p.Thr39Ile). This variant is present in population databases (rs745488384, gnomAD 0.02%). This variant has not been reported in the literature in individuals affected with MCM2-related conditions. ClinVar contains an entry for this variant (Variation ID: 1406738). An algorithm developed to predict the effect of missense changes on protein structure and function (PolyPhen-2) suggests that this variant is likely to be tolerated. In summary, the available evidence is currently insufficient to determine the role of this variant in disease. Therefore, it has been classified as a Variant of Uncertain Significance.

Athena Diagnostics
Classification: Uncertain significance. Last evaluated: 2023-01-08. Review status: criteria provided, single submitter. Criteria: Athena Diagnostics Criteria. Collection method: clinical testing. Allele origin: unknown.
Comment: Available data are insufficient to determine the clinical significance of the variant at this time. The frequency of this variant in the general population is uninformative in assessment of its pathogenicity. Computational tools predict that this variant is not damaging.

NM_004526.4(MCM2):c.116C>T (p.Thr39Ile)

Gene: MCM2 (minichromosome maintenance complex component 2; plus strand). Cytogenetic location: 3q21.3.
Variant type: single nucleotide variant.
Coding change: c.116C>T on transcript NM_004526.4 (MANE Select); coding-DNA position 116, C replaced by T.
Protein change: p.Thr39Ile; replaces threonine 39 with isoleucine.
Molecular consequence: missense variant. On other transcripts: non-coding transcript variant (1).
Genome position (GRCh38, 1-based): chr3:127,599,427, C>T. VCF-style: chr3-127599427-C-T. GRCh37 (hg19) VCF-style: chr3-127318270-C-T.
Other names: c.116C>T (NM_004526.2, NM_004526.3); short protein forms T39I.
Identifiers: ClinVar variation 1406738 (VCV001406738.10), dbSNP rs745488384, ClinGen allele CA2595475.